The following is an entry in ClinVar:

ClinVar aggregate classification (germline): Uncertain significance. Review status: criteria provided, multiple submitters, no conflicts (2 of 4 stars). 2 submissions from 2 submitters: Uncertain significance (2). Last evaluated 2023-01-19.

Conditions:
Progressive sclerosing poliodystrophy (MTDPS4A). Also called: Mitochondrial DNA Depletion Syndrome 4A; Alpers-Huttenlocher Syndrome (AHS); Alpers Syndrome; ALPERS DIFFUSE DEGENERATION OF CEREBRAL GRAY MATTER WITH HEPATIC CIRRHOSIS; Alpers-Huttenlocher Syndrome; Mitochondrial DNA depletion syndrome 4A (Alpers type). Identifiers: Orphanet 726, MedGen C0205710, MONDO:0008758, OMIM 203700.

Allele frequency attached by ClinVar (database versions not stated): gnomAD exomes below 0.00001.
gnomAD v4.1: 4 of 1,589,060 alleles (0.00025%); highest among the groups gnomAD compares: Middle Eastern, 0.033%; no homozygotes.

Submissions (2):

Labcorp Genetics (formerly Invitae), Labcorp
Classification: Uncertain significance for Progressive sclerosing poliodystrophy. Last evaluated: 2023-01-19. Review status: criteria provided, single submitter. Criteria: Invitae Variant Classification Sherloc (09022015). Collection method: clinical testing. Allele origin: germline.
Comment: In summary, the available evidence is currently insufficient to determine the role of this variant in disease. Therefore, it has been classified as a Variant of Uncertain Significance. Advanced modeling of protein sequence and biophysical properties (such as structural, functional, and spatial information, amino acid conservation, physicochemical variation, residue mobility, and thermodynamic stability) performed at Invitae indicates that this missense variant is not expected to disrupt POLG protein function. ClinVar contains an entry for this variant (Variation ID: 1309972). This variant has not been reported in the literature in individuals affected with POLG-related conditions. This variant is not present in population databases (gnomAD no frequency). This sequence change replaces glycine, which is neutral and non-polar, with arginine, which is basic and polar, at codon 38 of the POLG protein (p.Gly38Arg).

GeneDx
Classification: Uncertain significance. Last evaluated: 2019-11-17. Review status: criteria provided, single submitter. Criteria: GeneDx Variant Classification Process June 2021. Collection method: clinical testing. Allele origin: germline. Affected: yes.
Comment: Has not been previously published as pathogenic or benign to our knowledge; Not observed at a significant frequency in large population cohorts; In silico analysis, which includes protein predictors and evolutionary conservation, supports that this variant does not alter protein structure/function

NM_002693.3(POLG):c.112G>A (p.Gly38Arg)

Genes: POLG (DNA polymerase gamma, catalytic subunit; minus strand), POLGARF (POLG alternative reading frame; minus strand). Cytogenetic location: 15q26.1.
Variant type: single nucleotide variant.
Coding change: c.112G>A on transcript NM_002693.3 (MANE Select); coding-DNA position 112, G replaced by A.
Protein change: p.Gly38Arg; replaces glycine 38 with arginine.
Molecular consequence: missense variant.
Genome position (GRCh38, 1-based): chr15:89,333,643, C>T on the plus strand (G>A on the coding strand, the complement: POLG is on the minus strand). VCF-style: chr15-89333643-C-T. GRCh37 (hg19) VCF-style: chr15-89876874-C-T.
Other names: c.112G>A, p.Gly38Arg (NM_001126131.2); short protein forms G38R.
Identifiers: ClinVar variation 1309972 (VCV001309972.5), dbSNP rs866945104, ClinGen allele CA274566710.
Genomic context (GRCh38, chr15:89,333,643, plus strand): 5'-GCTGAGGCTGCTGTTGCTGCTGCTGCTGCTGCTGCTGCTGCTGCTGCCGCCGCCGCTGCC[C>T]GTCGCTGGGGTCGGACGCGGGGACGGAGCTGGAGACCCAGCGCCCCGGAGCTGGAACCGG-3'
Protein context (NP_002684.1, residues 28-48): SSVPASDPSD[Gly38Arg]QRRRQQQQQQ